The following is an entry in ClinVar:

NM_006005.3(WFS1):c.1784C>T (p.Thr595Ile)

Gene: WFS1 (wolframin ER transmembrane glycoprotein; plus strand). Cytogenetic location: 4p16.1.
Variant type: single nucleotide variant.
Coding change: c.1784C>T on transcript NM_006005.3 (MANE Select); coding-DNA position 1784, C replaced by T.
Protein change: p.Thr595Ile; replaces threonine 595 with isoleucine.
Molecular consequence: missense variant.
Genome position (GRCh38, 1-based): chr4:6,301,579, C>T. VCF-style: chr4-6301579-C-T. GRCh37 (hg19) VCF-style: chr4-6303306-C-T.
Other names: c.1784C>T, p.Thr595Ile (NM_001145853.1); short protein forms T595I.
Identifiers: ClinVar variation 1320402 (VCV001320402.8), dbSNP rs148544389, ClinGen allele CA91796563.

ClinVar aggregate classification (germline): Uncertain significance. Review status: criteria provided, multiple submitters, no conflicts (2 of 4 stars). 3 submissions from 3 submitters: Uncertain significance (3). Last evaluated 2025-06-12.

Conditions:
Autosomal dominant nonsyndromic hearing loss 6 (LFSNHL). Also called: Autosomal dominant nonsyndromic deafness 6; DEAFNESS, AUTOSOMAL DOMINANT 6; DEAFNESS, AUTOSOMAL DOMINANT 14; DEAFNESS, AUTOSOMAL DOMINANT 38. Identifiers: Orphanet 90635, MedGen C1833021, MONDO:0010963, OMIM 600965.
Type 2 diabetes mellitus. Also called: Type II diabetes mellitus. Identifiers: MedGen C0011860, MeSH D003924, MONDO:0005148, OMIM 125853, HP:0005978.
Wolfram-like syndrome. Also called: HEARING LOSS, PROGRESSIVE, WITH OPTIC ATROPHY AND/OR IMPAIRED GLUCOSE REGULATION. Identifiers: Orphanet 411590, MedGen C3280358, MONDO:0013673, OMIM 614296.
Cataract 41 (CTRCT41). Also called: CATARACT 41, CONGENITAL NUCLEAR TYPE. Identifiers: Orphanet 91492, Orphanet 98991, Orphanet 98992, Orphanet 98995, MedGen C3805412, MONDO:0007287, OMIM 116400.
Wolfram syndrome 1 (WFS1). Identifiers: Orphanet 3463, MedGen C4551693, MONDO:0009101, OMIM 222300.

Allele frequency attached by ClinVar (database versions not stated): TOPMed 0.00003; gnomAD 0.00004; ESP Exome Variant Server 0.00008.
gnomAD v4.1: 12 of 1,614,086 alleles (0.00074%); highest among the groups gnomAD compares: African/African-American, 0.0093%; no homozygotes.

Submissions (3):

Labcorp Genetics (formerly Invitae), Labcorp
Classification: Uncertain significance. Last evaluated: 2025-06-12. Review status: criteria provided, single submitter. Criteria: Invitae Variant Classification Sherloc (09022015). Collection method: clinical testing. Allele origin: germline.
Comment: This sequence change replaces threonine, which is neutral and polar, with isoleucine, which is neutral and non-polar, at codon 595 of the WFS1 protein (p.Thr595Ile). This variant is present in population databases (rs148544389, gnomAD 0.03%). This variant has not been reported in the literature in individuals affected with WFS1-related conditions. ClinVar contains an entry for this variant (Variation ID: 1320402). Invitae Evidence Modeling of protein sequence and biophysical properties (such as structural, functional, and spatial information, amino acid conservation, physicochemical variation, residue mobility, and thermodynamic stability) indicates that this missense variant is not expected to disrupt WFS1 protein function with a negative predictive value of 80%. In summary, the available evidence is currently insufficient to determine the role of this variant in disease. Therefore, it has been classified as a Variant of Uncertain Significance.

Fulgent Genetics
Classification: Uncertain significance for Cataract 41; Type 2 diabetes mellitus; Wolfram syndrome 1; Autosomal dominant nonsyndromic hearing loss 6; Wolfram-like syndrome. Last evaluated: 2022-03-16. Review status: criteria provided, single submitter. Criteria: ACMG Guidelines, 2015. Collection method: clinical testing. Allele origin: unknown.

GeneDx
Classification: Uncertain significance. Last evaluated: 2019-08-09. Review status: criteria provided, single submitter. Criteria: GeneDx Variant Classification Process June 2021. Collection method: clinical testing. Allele origin: germline. Affected: yes.
Comment: In silico analysis, which includes protein predictors and evolutionary conservation, supports that this variant does not alter protein structure/function; Has not been previously published as pathogenic or benign to our knowledge